The following is an entry in ClinVar:

ClinVar aggregate classification (germline): Uncertain significance (1 of 4 stars; one submission).

Conditions:
PCNT-related disorder. Also called: PCNT-related condition.

gnomAD v4.1: 25 of 1,614,082 alleles (0.0015%); highest among the groups gnomAD compares: Non-Finnish European, 0.0019%; no homozygotes.

Submission:

PreventionGenetics, part of Exact Sciences
Classification: Uncertain significance for PCNT-related condition. Last evaluated: 2025-11-12. Review status: criteria provided, single submitter. Criteria: ACMG Guidelines, 2015. Collection method: clinical testing. Allele origin: germline.
Comment: The PCNT c.6334G>A variant is predicted to result in the amino acid substitution p.Asp2112Asn. To our knowledge, this variant has not been reported in the literature or in a large population database (gnomAD), indicating this variant is rare. At this time, the clinical significance of this variant is uncertain due to the absence of conclusive functional and genetic evidence.

NM_006031.6(PCNT):c.6334G>A (p.Asp2112Asn)

Gene: PCNT (pericentrin; plus strand). Cytogenetic location: 21q22.3.
Variant type: single nucleotide variant.
Coding change: c.6334G>A on transcript NM_006031.6 (MANE Select); coding-DNA position 6334, G replaced by A.
Protein change: p.Asp2112Asn; replaces aspartic acid 2112 with asparagine.
Molecular consequence: missense variant.
Genome position (GRCh38, 1-based): chr21:46,416,252, G>A. VCF-style: chr21-46416252-G-A. GRCh37 (hg19) VCF-style: chr21-47836166-G-A.
Other names: c.5980G>A, p.Asp1994Asn (NM_001315529.2); short protein forms D2112N, D1994N.
Identifiers: ClinVar variation 4988176 (VCV004988176.1).